The following is an entry in ClinVar:

ClinVar aggregate classification (germline): Uncertain significance. Review status: criteria provided, multiple submitters, no conflicts (2 of 4 stars). 2 submissions from 2 submitters: Uncertain significance (2). Last evaluated 2025-04-02.

Conditions:
Hereditary pancreatitis (PCTT). Also called: PRSS1-Related Hereditary Pancreatitis; Hereditary chronic pancreatitis. Identifiers: Orphanet 676, MedGen C0238339, MONDO:0008185, OMIM 167800.

Allele frequency attached by ClinVar (database versions not stated): gnomAD exomes below 0.00001; gnomAD 0.00001.
gnomAD v4.1: 2 of 1,614,018 alleles (0.00012%); highest among the groups gnomAD compares: Non-Finnish European, 0.00017%; no homozygotes.

Submissions (2):

ARUP Laboratories, Molecular Genetics and Genomics, ARUP Laboratories
Classification: Uncertain significance for Hereditary pancreatitis. Last evaluated: 2025-04-02. Review status: criteria provided, single submitter. Criteria: ARUP Molecular Germline Variant Investigation Process 2024. Collection method: clinical testing. Allele origin: germline.
Comment: The PRSS1 c.484G>A; p.Asp162Asn variant (rs1171452978), to our knowledge, is not reported in the medical literature but is reported in ClinVar (Variation ID: 2084311). This variant is absent from the Genome Aggregation Database (v2.1.1), indicating it is not a common polymorphism. Computational analyses are uncertain whether this variant is neutral or deleterious (REVEL: 0.248). Due to limited information, the clinical significance of this variant is uncertain at this time.

Labcorp Genetics (formerly Invitae), Labcorp
Classification: Uncertain significance for Hereditary pancreatitis. Last evaluated: 2022-09-23. Review status: criteria provided, single submitter. Criteria: Invitae Variant Classification Sherloc (09022015). Collection method: clinical testing. Allele origin: germline.
Comment: This variant has not been reported in the literature in individuals affected with PRSS1-related conditions. This variant is not present in population databases (gnomAD no frequency). This sequence change replaces aspartic acid, which is acidic and polar, with asparagine, which is neutral and polar, at codon 162 of the PRSS1 protein (p.Asp162Asn). Advanced modeling of protein sequence and biophysical properties (such as structural, functional, and spatial information, amino acid conservation, physicochemical variation, residue mobility, and thermodynamic stability) performed at Invitae indicates that this missense variant is not expected to disrupt PRSS1 protein function. In summary, the available evidence is currently insufficient to determine the role of this variant in disease. Therefore, it has been classified as a Variant of Uncertain Significance.

NM_002769.5(PRSS1):c.484G>A (p.Asp162Asn)

Genes: PRSS1 (serine protease 1; plus strand), TRB (T cell receptor beta locus; plus strand). Cytogenetic location: 7q34.
Variant type: single nucleotide variant.
Coding change: c.484G>A on transcript NM_002769.5 (MANE Select); coding-DNA position 484, G replaced by A.
Protein change: p.Asp162Asn; replaces aspartic acid 162 with asparagine.
Molecular consequence: missense variant. On other transcripts: non-coding transcript variant (5).
Genome position (GRCh38, 1-based): chr7:142,752,460, G>A. VCF-style: chr7-142752460-G-A. GRCh37 (hg19) VCF-style: chr7-142460311-G-A.
Other names: short protein forms D162N.
Identifiers: ClinVar variation 2084311 (VCV002084311.5), dbSNP rs1171452978, ClinGen allele CA369609479.